The following is an entry in ClinVar:

ClinVar aggregate classification (germline): Uncertain significance (1 of 4 stars; one submission).

Conditions:
Mosaic variegated aneuploidy syndrome 1 (MVA1). Also called: Warburton-Anyane-Yeboa syndrome. Identifiers: Orphanet 1052, MedGen C1850343, MONDO:0009759, OMIM 257300.

Submission:

Labcorp Genetics (formerly Invitae), Labcorp
Classification: Uncertain significance for Mosaic variegated aneuploidy syndrome 1. Last evaluated: 2020-08-16. Review status: criteria provided, single submitter. Criteria: Invitae Variant Classification Sherloc (09022015). Collection method: clinical testing. Allele origin: germline.
Comment: Algorithms developed to predict the effect of sequence changes on RNA splicing suggest that this variant may create or strengthen a splice site, but this prediction has not been confirmed by published transcriptional studies. In summary, the available evidence is currently insufficient to determine the role of this variant in disease. Therefore, it has been classified as a Variant of Uncertain Significance. Algorithms developed to predict the effect of missense changes on protein structure and function (SIFT, PolyPhen-2, Align-GVGD) all suggest that this variant is likely to be tolerated, but these predictions have not been confirmed by published functional studies and their clinical significance is uncertain. This variant has not been reported in the literature in individuals with BUB1B-related conditions. This variant is not present in population databases (ExAC no frequency). This sequence change replaces lysine with arginine at codon 966 of the BUB1B protein (p.Lys966Arg). The lysine residue is weakly conserved and there is a small physicochemical difference between lysine and arginine.

NM_001211.6(BUB1B):c.2897A>G (p.Lys966Arg)

Genes: BUB1B (BUB1 mitotic checkpoint serine/threonine kinase B; plus strand), BUB1B-PAK6 (BUB1B-PAK6 readthrough; plus strand). Cytogenetic location: 15q15.1.
Variant type: single nucleotide variant.
Coding change: c.2897A>G on transcript NM_001211.6 (MANE Select); coding-DNA position 2897, A replaced by G.
Protein change: p.Lys966Arg; replaces lysine 966 with arginine.
Molecular consequence: missense variant. On other transcripts: intron variant (2).
Genome position (GRCh38, 1-based): chr15:40,218,502, A>G. VCF-style: chr15-40218502-A-G. GRCh37 (hg19) VCF-style: chr15-40510703-A-G.
Other names: c.-201+835A>G (NM_001128628.3); c.-118+835A>G (NM_001128629.3); short protein forms K966R.
Identifiers: ClinVar variation 1024842 (VCV001024842.10), dbSNP rs2037833828, ClinGen allele CA391688276.